The following is an entry in ClinVar:

ClinVar aggregate classification (germline): Uncertain significance (0 of 4 stars; one submission).

Conditions:
FAM20A-related disorder. Also called: FAM20A-related condition.

gnomAD v4.1: 4 of 1,612,082 alleles (0.00025%); highest among the groups gnomAD compares: Non-Finnish European, 0.00034%; no homozygotes.

Submission:

PreventionGenetics, part of Exact Sciences
Classification: Uncertain significance for FAM20A-related condition. Last evaluated: 2024-07-18. Review status: no assertion criteria provided. Collection method: clinical testing. Allele origin: germline.
Comment: The FAM20A c.928G>C variant is predicted to result in the amino acid substitution p.Ala310Pro. To our knowledge, this variant has not been reported in the literature or in gnomAD, indicating this variant is rare. At this time, the clinical significance of this variant is uncertain due to the absence of conclusive functional and genetic evidence.

NM_017565.4(FAM20A):c.928G>C (p.Ala310Pro)

Genes: FAM20A (FAM20A golgi associated secretory pathway pseudokinase; minus strand), PRKAR1A (protein kinase cAMP-dependent type I regulatory subunit alpha; plus strand). Cytogenetic location: 17q24.2.
Variant type: single nucleotide variant.
Coding change: c.928G>C on transcript NM_017565.4 (MANE Select); coding-DNA position 928, G replaced by C.
Protein change: p.Ala310Pro; replaces alanine 310 with proline.
Molecular consequence: missense variant. On other transcripts: non-coding transcript variant (1), intron variant (1).
Genome position (GRCh38, 1-based): chr17:68,542,694, C>G on the plus strand (G>C on the coding strand, the complement: FAM20A is on the minus strand). VCF-style: chr17-68542694-C-G. GRCh37 (hg19) VCF-style: chr17-66538835-C-G.
Other names: c.514G>C, p.Ala172Pro (NM_001243746.2); c.974-8390C>G (NM_001276290.1); short protein forms A172P, A310P.
Identifiers: ClinVar variation 3357233 (VCV003357233.1).